The following is an entry in ClinVar:

ClinVar aggregate classification (germline): Pathogenic (1 of 4 stars; one submission).

Submission:

Labcorp Genetics (formerly Invitae), Labcorp
Classification: Pathogenic. Last evaluated: 2019-03-19. Review status: criteria provided, single submitter. Criteria: Invitae Variant Classification Sherloc (09022015). Collection method: clinical testing. Allele origin: germline.
Comment: For these reasons, this variant has been classified as Pathogenic. Loss-of-function variants in COL4A3 are known to be pathogenic (PMID: 8956999, 24854265). Algorithms developed to predict the effect of sequence changes on RNA splicing suggest that this variant may create or strengthen a splice site, but this prediction has not been confirmed by published transcriptional studies. This variant has not been reported in the literature in individuals with COL4A3-related conditions. This variant is not present in population databases (ExAC no frequency). This sequence change creates a premature translational stop signal (p.Gly1122Valfs*35) in the COL4A3 gene. It is expected to result in an absent or disrupted protein product.

Literature cited by the submitters: PubMed 8956999; PubMed 24854265.

NM_000091.5(COL4A3):c.3357_3364dup (p.Gly1122fs)

Genes: COL4A3 (collagen type IV alpha 3 chain; plus strand), MFF-DT (MFF divergent transcript; minus strand). Cytogenetic location: 2q36.3.
Variant type: Duplication.
Coding change: c.3357_3364dup on transcript NM_000091.5 (MANE Select); coding-DNA positions 3357 to 3364, 8 bases duplicated (TGATTTGG; older notation c.3357_3364dupTGATTTGG).
Protein change: p.Gly1122fs; shifts the reading frame from glycine 1122.
Molecular consequence: frameshift variant.
Genome position (GRCh38, 1-based): chr2:227,294,509-227,294,516, TGATTTGG duplicated; duplicating any 8 consecutive bases within chr2:227,294,506-227,294,516 gives the same sequence; the c. name uses the placement nearest the transcript's 3' end. VCF-style (leftmost placement, unchanged base first): chr2-227294505-A-ATGGTGATT. GRCh37 (hg19) VCF-style: chr2-228159221-A-ATGGTGATT.
Other names: short protein forms G1122fs.
Identifiers: ClinVar variation 854551 (VCV000854551.7), dbSNP rs2072936004, ClinGen allele CA916080310.
Genomic context (GRCh38, chr2:227,294,505, plus strand): 5'-TCTTTTGGTGATCTTTTTTCTTCCTTCCCCTCTCTTCATTTCCAGGAAAGCCAGGTCCTC[A>ATGGTGATT]TGGTGATTTGGGTTTTAAAGGAATCAAAGGCCTCCTGGGCCCTCCAGGAATCAGAGGCCC-3'